The following is an entry in ClinVar:

ClinVar aggregate classification (germline): Uncertain significance. Review status: criteria provided, multiple submitters, no conflicts (2 of 4 stars). 2 submissions from 2 submitters: Uncertain significance (2). Last evaluated 2025-08-08.

Conditions:
Cardiomyopathy (CMYO). Also called: Cardiomyopathies. Identifiers: Orphanet 167848, MedGen C0878544, MONDO:0004994, HP:0001638. Inheritance: Various modes of inheritance.

Submissions (2):

Color Diagnostics, LLC DBA Color Health
Classification: Uncertain significance for Cardiomyopathy. Last evaluated: 2025-08-08. Review status: criteria provided, single submitter. Criteria: ACMG Guidelines, 2015. Collection method: clinical testing. Allele origin: germline.
Comment: This missense variant replaces phenylalanine with leucine at codon 503 of the MYBPC3 protein. Computational prediction tools are inconclusive regarding the impact of this variant on RYR1 protein function. To our knowledge, functional studies have not been reported for this variant. This variant has been reported in a few individuals affected with hypertrophic cardiomyopathy (PMID: 30297972, 34556856). This variant has not been identified in the general population by the Genome Aggregation Database (gnomAD). The available evidence is insufficient to determine the role of this variant in disease conclusively. Therefore, this variant is classified as a Variant of Uncertain Significance.

GeneDx
Classification: Uncertain significance. Last evaluated: 2019-07-09. Review status: criteria provided, single submitter. Criteria: GeneDx Variant Classification Process June 2021. Collection method: clinical testing. Allele origin: germline. Affected: yes.
Comment: Has not been published in a peer-reviewed journal to our knowledge; Not observed in large population cohorts (Lek et al., 2016); In silico analysis, which includes protein predictors and evolutionary conservation, supports a deleterious effect; This variant is associated with the following publications: (PMID: 30297972)

Literature cited by the submitters: PubMed 30297972 (cited by Color Diagnostics, LLC DBA Color Health); PubMed 34556856 (cited by Color Diagnostics, LLC DBA Color Health).

NM_000256.3(MYBPC3):c.1509C>G (p.Phe503Leu)

Gene: MYBPC3 (myosin binding protein C3; minus strand). Cytogenetic location: 11p11.2.
Variant type: single nucleotide variant.
Coding change: c.1509C>G on transcript NM_000256.3 (MANE Select); coding-DNA position 1509, C replaced by G.
Protein change: p.Phe503Leu; replaces phenylalanine 503 with leucine.
Molecular consequence: missense variant.
Genome position (GRCh38, 1-based): chr11:47,342,693, G>C on the plus strand (C>G on the coding strand, the complement: MYBPC3 is on the minus strand). VCF-style: chr11-47342693-G-C. GRCh37 (hg19) VCF-style: chr11-47364244-G-C.
Other names: short protein forms F503L.
Identifiers: ClinVar variation 1303002 (VCV001303002.3), dbSNP rs2142861103, ClinGen allele CA501101.